The following is an entry in ClinVar:

ClinVar aggregate classification (germline): Conflicting classifications of pathogenicity. Review status: criteria provided, conflicting classifications (1 of 4 stars). 3 submissions from 3 submitters: Pathogenic (1); Likely pathogenic (1); Uncertain significance (1). Last evaluated 2025-10-08.

Conditions:
ABCA4-related disorder. Also called: ABCA4-related condition; ABCA4-related disorders. Identifiers: MedGen CN239167.

Allele frequency attached by ClinVar (database versions not stated): ExAC 0.00001; gnomAD exomes 0.00001.
gnomAD v4.1: 7 of 1,614,052 alleles (0.00043%); highest among the groups gnomAD compares: Admixed American, 0.0033%; no homozygotes.

Submissions (3):

Labcorp Genetics (formerly Invitae), Labcorp
Classification: Pathogenic. Last evaluated: 2025-10-08. Review status: criteria provided, single submitter. Criteria: Invitae Variant Classification Sherloc (09022015). Collection method: clinical testing. Allele origin: germline.
Comment: This sequence change replaces tyrosine, which is neutral and polar, with cysteine, which is neutral and slightly polar, at codon 97 of the ABCA4 protein (p.Tyr97Cys). This variant is present in population databases (rs755691060, gnomAD 0.006%). This missense change has been observed in individual(s) with Stargardt disease (PMID: 26780318). In at least one individual the data is consistent with being in trans (on the opposite chromosome) from a pathogenic variant. ClinVar contains an entry for this variant (Variation ID: 1053814). Invitae Evidence Modeling of protein sequence and biophysical properties (such as structural, functional, and spatial information, amino acid conservation, physicochemical variation, residue mobility, and thermodynamic stability) indicates that this missense variant is expected to disrupt ABCA4 protein function with a positive predictive value of 95%. For these reasons, this variant has been classified as Pathogenic.

Women's Health and Genetics/Laboratory Corporation of America, LabCorp
Classification: Uncertain significance. Last evaluated: 2025-06-24. Review status: criteria provided, single submitter. Criteria: LabCorp Variant Classification Summary - May 2015. Collection method: clinical testing. Allele origin: germline.
Comment: Variant summary: ABCA4 c.290A>G (p.Tyr97Cys) results in a non-conservative amino acid change in the encoded protein sequence. Algorithms developed to predict the effect of missense changes on protein structure and function all suggest that this variant is likely to be disruptive. The variant allele was found at a frequency of 8e-06 in 250990 control chromosomes. c.290A>G has been reported in the literature in individuals affected with Retinitis Pigmentosa or inherited eye diseases (e.g., Jiang_2016, Hu_2019, Li_2023, internal data). These data indicate that the variant may be associated with disease. To our knowledge, no experimental evidence demonstrating an impact on protein function has been reported. The following publications have been ascertained in the context of this evaluation (PMID: 31543898, 26780318, 36729443). ClinVar contains an entry for this variant (Variation ID: 1053814). Based on the evidence outlined above, the variant was classified as VUS-possibly pathogenic.

Blueprint Genetics
Classification: Likely pathogenic for ABCA4-related disorders. Last evaluated: 2022-07-20. Review status: criteria provided, single submitter. Criteria: ACMG Guidelines, 2015. Collection method: clinical testing. Allele origin: germline. Affected: yes. Observed: 1 variant allele.

Literature cited by the submitters: PubMed 26780318 (cited by Labcorp Genetics (formerly Invitae), Labcorp and Women's Health and Genetics/Laboratory Corporation of America, LabCorp); PubMed 31964843 (cited by Women's Health and Genetics/Laboratory Corporation of America, LabCorp); PubMed 31543898 (cited by Women's Health and Genetics/Laboratory Corporation of America, LabCorp); PubMed 36729443 (cited by Women's Health and Genetics/Laboratory Corporation of America, LabCorp); PubMed 35120629 (cited by Women's Health and Genetics/Laboratory Corporation of America, LabCorp).

NM_000350.3(ABCA4):c.290A>G (p.Tyr97Cys)

Gene: ABCA4 (ATP binding cassette subfamily A member 4; minus strand). Cytogenetic location: 1p22.1.
Variant type: single nucleotide variant.
Coding change: c.290A>G on transcript NM_000350.3 (MANE Select); coding-DNA position 290, A replaced by G.
Protein change: p.Tyr97Cys; replaces tyrosine 97 with cysteine.
Molecular consequence: missense variant.
Genome position (GRCh38, 1-based): chr1:94,111,450, T>C on the plus strand (A>G on the coding strand, the complement: ABCA4 is on the minus strand). VCF-style: chr1-94111450-T-C. GRCh37 (hg19) VCF-style: chr1-94577006-T-C.
Other names: c.290A>G, p.Tyr97Cys (NM_001425324.1); short protein forms Y97C.
Identifiers: ClinVar variation 1053814 (VCV001053814.12), dbSNP rs755691060, ClinGen allele CA958886.
Genomic context (GRCh38, chr1:94,111,450, plus strand): 5'-AGGGGTGTGCAACTTCCTCCCCTGCATGGTAGGGATCTCAACACTTACATGGAGTTGTTA[T>C]AGTTTGACACAATTCCAGGAGATTCTCCTGGGGTGGGGCTTTGAAAACAGGGATTGTTCA-3'
Protein context (NP_000341.2, residues 87-107): PGESPGIVSN[Tyr97Cys]NNSILARVYR